The following is an entry in ClinVar:

NM_000426.4(LAMA2):c.9211+1G>A

Gene: LAMA2 (laminin subunit alpha 2; plus strand). Cytogenetic location: 6q22.33.
Variant type: single nucleotide variant.
Coding change: c.9211+1G>A on transcript NM_000426.4 (MANE Select); the canonical splice donor site of the intron after coding-DNA position 9211, G replaced by A.
Molecular consequence: splice donor variant.
Genome position (GRCh38, 1-based): chr6:129,514,596, G>A. VCF-style: chr6-129514596-G-A. GRCh37 (hg19) VCF-style: chr6-129835741-G-A.
Other names: c.9199+1G>A (NM_001079823.2).
Identifiers: ClinVar variation 558177 (VCV000558177.5), dbSNP rs1554320318, ClinGen allele CA365637169.
Genomic context (GRCh38, chr6:129,514,596, plus strand): 5'-CAAACCCAGCATCTACATCAGCTGACACAAATGACCCTGTGTTTGTTGGAGGCTTCCCAG[G>A]TGAGTGTTGGCTACCCCAGCAACAATTTCTTTGCTCTCTTATGTTACTGGTTTTGAAAAC-3'

ClinVar aggregate classification (germline): Pathogenic. Review status: criteria provided, single submitter (1 of 4 stars). 2 submissions from 2 submitters: Pathogenic (1). 1 of the submissions does not count toward it. Last evaluated 2024-02-19.

Conditions:
LAMA2-related muscular dystrophy (LAMA2-RD). Also called: Laminin alpha 2-related dystrophy. Identifiers: MedGen C5679788, MONDO:0100228.
Merosin deficient congenital muscular dystrophy (MDC1A). Also called: Congenital merosin-deficient muscular dystrophy 1A; Congenital Muscular Dystrophy Type 1A (MDC1A). Identifiers: Orphanet 258, MedGen C1263858, MONDO:0011925, OMIM 607855.

Submissions (2):

Labcorp Genetics (formerly Invitae), Labcorp
Classification: Pathogenic for LAMA2-related muscular dystrophy. Last evaluated: 2024-02-19. Review status: criteria provided, single submitter. Criteria: Invitae Variant Classification Sherloc (09022015). Collection method: clinical testing. Allele origin: germline.
Comment: This sequence change affects a donor splice site in intron 64 of the LAMA2 gene. While this variant is not anticipated to result in nonsense mediated decay, it likely alters RNA splicing and results in a disrupted protein product. This variant is not present in population databases (gnomAD no frequency). This variant has not been reported in the literature in individuals affected with LAMA2-related conditions. ClinVar contains an entry for this variant (Variation ID: 558177). Variants that disrupt the consensus splice site are a relatively common cause of aberrant splicing (PMID: 17576681, 9536098). Algorithms developed to predict the effect of sequence changes on RNA splicing suggest that this variant may disrupt the consensus splice site. This variant disrupts a region of the LAMA2 protein in which other variant(s) (p.Gln3075*) have been determined to be pathogenic (Invitae). This suggests that this is a clinically significant region of the protein, and that variants that disrupt it are likely to be disease-causing. For these reasons, this variant has been classified as Pathogenic.

Counsyl
Classification: Likely pathogenic for Merosin deficient congenital muscular dystrophy. Last evaluated: 2018-05-03. Review status: no assertion criteria provided. Collection method: clinical testing. Allele origin: unknown. Not counted in ClinVar's aggregate classification.

Literature cited by the submitters: PubMed 17576681 (cited by Labcorp Genetics (formerly Invitae), Labcorp); PubMed 9536098 (cited by Labcorp Genetics (formerly Invitae), Labcorp).